The following is an entry in ClinVar:

ClinVar aggregate classification (germline): Likely benign. Review status: criteria provided, multiple submitters, no conflicts (2 of 4 stars). 3 submissions from 3 submitters: Likely benign (3). Last evaluated 2025-12-16.

Conditions:
Cardiovascular phenotype. Identifiers: MedGen CN230736.
Hypertrophic cardiomyopathy 14. Identifiers: MedGen C2750467, MONDO:0013197, OMIM 613251.
MYH6-related disorder. Also called: MYH6-related condition; MYH6-Related Disorders.

Allele frequency attached by ClinVar (database versions not stated): gnomAD 0.00001; TOPMed 0.00001; ExAC 0.00005; gnomAD exomes 0.00005.
gnomAD v4.1: 47 of 1,614,056 alleles (0.0029%); highest among the groups gnomAD compares: Middle Eastern, 0.016%; no homozygotes.

Submissions (3):

Labcorp Genetics (formerly Invitae), Labcorp
Classification: Likely benign for Hypertrophic cardiomyopathy 14. Last evaluated: 2025-12-16. Review status: criteria provided, single submitter. Criteria: Invitae Variant Classification Sherloc (09022015). Collection method: clinical testing. Allele origin: germline.

PreventionGenetics, part of Exact Sciences
Classification: Likely benign for MYH6-related condition. Last evaluated: 2025-01-03. Review status: criteria provided, single submitter. Criteria: ACMG Guidelines, 2015. Collection method: clinical testing. Allele origin: germline.
Comment: This variant is classified as likely benign based on ACMG/AMP sequence variant interpretation guidelines (Richards et al. 2015 PMID: 25741868, with internal and published modifications).

Ambry Genetics
Classification: Likely benign for Cardiovascular phenotype. Last evaluated: 2017-11-15. Review status: criteria provided, single submitter. Criteria: Ambry Variant Classification Scheme 2023. Collection method: clinical testing. Allele origin: germline.

NM_002471.4(MYH6):c.1950G>A (p.Ser650=)

Gene: MYH6 (myosin heavy chain 6; minus strand). Cytogenetic location: 14q11.2.
Variant type: single nucleotide variant.
Coding change: c.1950G>A on transcript NM_002471.4 (MANE Select); coding-DNA position 1950, G replaced by A.
Protein change: p.Ser650=; no amino-acid change (serine 650 retained).
Molecular consequence: synonymous variant.
Genome position (GRCh38, 1-based): chr14:23,397,555, C>T on the plus strand (G>A on the coding strand, the complement: MYH6 is on the minus strand). VCF-style: chr14-23397555-C-T. GRCh37 (hg19) VCF-style: chr14-23866764-C-T.
Identifiers: ClinVar variation 520382 (VCV000520382.13), dbSNP rs752964239, ClinGen allele CA7115656.
Genomic context (GRCh38, chr14:23,397,555, plus strand): 5'-GGCTGGGCCATTCCACCAGGTGTCCTGGCACCCCTGGGCCCTTCTTACCCGGTGGAGAGC[C>T]GACACCGTCTGGAAGGATGAGCCCTTTTTCTTGCCTCCTTTGCTTTTACCACTGTCCCCT-3'
Protein context (NP_002462.2, residues 640-660): KKKGSSFQTV[Ser650=]ALHRENLNKL